The following is an entry in ClinVar:

NC_000008.10:g.(?_43013698)_(43054712_?)dup

Gene: HGSNAT (heparan-alpha-glucosaminide N-acetyltransferase; plus strand). Cytogenetic location: 8p11.21.
Variant type: Duplication.
Identifiers: ClinVar variation 1016278 (VCV001016278.5).

ClinVar aggregate classification (germline): Uncertain significance (1 of 4 stars; one submission).

Conditions:
Mucopolysaccharidosis, MPS-III-C (MPS3C). Also called: MPS IIIC (Sanfilippo Syndrome Type C); MUCOPOLYSACCHARIDOSIS, TYPE IIIC; Mucopolysaccharidosis type IIIC (Sanfilippo C); mucopolysaccharidosis type 3C; SANFILIPPO SYNDROME C; MPS III C. Identifiers: Orphanet 581, Orphanet 79271, MedGen C0086649, MONDO:0009657, OMIM 252930.
Retinitis pigmentosa 73 (RP73). Identifiers: Orphanet 791, MedGen C4225287, MONDO:0014687, OMIM 616544.

Submission:

Labcorp Genetics (formerly Invitae), Labcorp
Classification: Uncertain significance for Retinitis pigmentosa 73; Mucopolysaccharidosis, MPS-III-C. Last evaluated: 2022-07-30. Review status: criteria provided, single submitter. Criteria: Invitae Variant Classification Sherloc (09022015). Collection method: clinical testing. Allele origin: germline.
Comment: This variant results in a copy number gain of the genomic region encompassing exon(s) 3-18 of the HGSNAT gene. This region includes the termination codon of the gene. This copy number gain extends beyond the assayed region for this gene and therefore may encompass additional genes. As the precise location of this event is unknown, it may be in tandem or it may be located elsewhere in the genome. A similar copy number variant has been observed in individual(s) with retinitis pigmentosa (Invitae). In at least one individual the data is consistent with being in trans (on the opposite chromosome) from a pathogenic variant. Experimental studies and prediction algorithms are not available or were not evaluated, and the functional significance of this variant is currently unknown. In summary, the available evidence is currently insufficient to determine the role of this variant in disease. Therefore, it has been classified as a Variant of Uncertain Significance.